The following is an entry in ClinVar:

NM_033004.4(NLRP1):c.2096A>G (p.Asn699Ser)

Gene: NLRP1 (NLR family pyrin domain containing 1; minus strand). Cytogenetic location: 17p13.2.
Variant type: single nucleotide variant.
Coding change: c.2096A>G on transcript NM_033004.4 (MANE Select); coding-DNA position 2096, A replaced by G.
Protein change: p.Asn699Ser; replaces asparagine 699 with serine.
Molecular consequence: missense variant.
Genome position (GRCh38, 1-based): chr17:5,558,600, T>C on the plus strand (A>G on the coding strand, the complement: NLRP1 is on the minus strand). VCF-style: chr17-5558600-T-C. GRCh37 (hg19) VCF-style: chr17-5461920-T-C.
Other names: c.2096A>G, p.Asn699Ser (NM_001033053.3, NM_014922.5, NM_033006.4 and 1 more transcripts); short protein forms N699S.
Identifiers: ClinVar variation 2749563 (VCV002749563.3), dbSNP rs1597458759, ClinGen allele CA397383091.
Genomic context (GRCh38, chr17:5,558,600, plus strand): 5'-AGGGACTCCAGAGAGTGTGGCTGCAGCAGCAGCTGCAGGGACGGGACCCACTGCATCAGG[T>C]TCCTCCCCTGAGACAGCCGGCAGTGAAAGATGTTCTCCATCTCTCTCTCCCCCTCATCAC-3'
Protein context (NP_127497.1, residues 689-709): IFHCRLSQGR[Asn699Ser]LMQWVPSLQL

ClinVar aggregate classification (germline): Uncertain significance (1 of 4 stars; one submission).

Submission:

Labcorp Genetics (formerly Invitae), Labcorp
Classification: Uncertain significance. Last evaluated: 2023-08-02. Review status: criteria provided, single submitter. Criteria: Invitae Variant Classification Sherloc (09022015). Collection method: clinical testing. Allele origin: germline.
Comment: This sequence change replaces asparagine, which is neutral and polar, with serine, which is neutral and polar, at codon 699 of the NLRP1 protein (p.Asn699Ser). This variant is not present in population databases (gnomAD no frequency). This variant has not been reported in the literature in individuals affected with NLRP1-related conditions. An algorithm developed to predict the effect of missense changes on protein structure and function (PolyPhen-2) suggests that this variant is likely to be tolerated. In summary, the available evidence is currently insufficient to determine the role of this variant in disease. Therefore, it has been classified as a Variant of Uncertain Significance.